The following is an entry in ClinVar:

NM_005045.4(RELN):c.5455del (p.Glu1819fs)

Gene: RELN (reelin; minus strand). Cytogenetic location: 7q22.1.
Variant type: Deletion.
Coding change: c.5455del on transcript NM_005045.4 (MANE Select); coding-DNA position 5455, one base deleted (G; older notation c.5455delG).
Protein change: p.Glu1819fs; shifts the reading frame from glutamic acid 1819.
Molecular consequence: frameshift variant.
Genome position (GRCh38, 1-based): chr7:103,561,606, C deleted on the plus strand (G on the coding strand, the reverse complement: RELN is on the minus strand). VCF-style (leftmost placement, unchanged base first): chr7-103561605-TC-T. GRCh37 (hg19) VCF-style: chr7-103202052-TC-T.
Other names: c.5455del, p.Glu1819fs (NM_173054.3); short protein forms E1819fs.
Identifiers: ClinVar variation 2036010 (VCV002036010.4), dbSNP rs2484733902, ClinGen allele CA2580076060.
Genomic context (GRCh38, chr7:103,561,605, plus strand): 5'-AGAGATGTTCCAGATTTGATGGTTTCACCATTCAGATTCCCCCTCTCTGCACCATACACT[TC>T]AGGCCAAAGGTCAGGATGTAAATTCCCATTGAAATCGTCTTTAAGAATCGAGGGCAGAGG-3'

ClinVar aggregate classification (germline): Pathogenic (1 of 4 stars; one submission).

Conditions:
Familial temporal lobe epilepsy 7. Identifiers: Orphanet 101046, MedGen C4225327, MONDO:0014639, OMIM 616436.
Norman-Roberts syndrome (LIS2). Also called: Lissencephaly 2 (Norman-Roberts type). Identifiers: Orphanet 89844, MedGen C0796089, MONDO:0009760, OMIM 257320.

Submission:

Labcorp Genetics (formerly Invitae), Labcorp
Classification: Pathogenic for Familial temporal lobe epilepsy 7; Norman-Roberts syndrome. Last evaluated: 2022-10-18. Review status: criteria provided, single submitter. Criteria: Invitae Variant Classification Sherloc (09022015). Collection method: clinical testing. Allele origin: germline.
Comment: For these reasons, this variant has been classified as Pathogenic. This variant has not been reported in the literature in individuals affected with RELN-related conditions. This variant is not present in population databases (gnomAD no frequency). This sequence change creates a premature translational stop signal (p.Glu1819Lysfs*10) in the RELN gene. It is expected to result in an absent or disrupted protein product. Loss-of-function variants in RELN are known to be pathogenic (PMID: 10973257, 26046367, 28454995).

Literature cited by the submitters: PubMed 10973257; PubMed 26046367; PubMed 28454995.